The following is an entry in ClinVar:

ClinVar aggregate classification (germline): Uncertain significance. Review status: criteria provided, multiple submitters, no conflicts (2 of 4 stars). 3 submissions from 3 submitters: Uncertain significance (2). 1 of the submissions does not count toward it. Last evaluated 2025-12-29.

Conditions:
Heterotopia, periventricular, X-linked dominant (PVNH1). Also called: PERIVENTRICULAR NODULAR HETEROTOPIA 4; HETEROTOPIA, PERIVENTRICULAR, 1; PERIVENTRICULAR NODULAR HETEROTOPIA 1; X-linked periventricular heterotopia. Identifiers: Orphanet 2149, Orphanet 82004, MedGen C1848213, MONDO:0010233, OMIM 300049.
Oto-palato-digital syndrome, type II (OPD2). Also called: Otopalatodigital Syndrome, Type II; Otopalatodigital Syndrome Type 2 (FLNA-OPD2); FACIOPALATOOSSEOUS SYNDROME; OPD II SYNDROME. Identifiers: Orphanet 669, Orphanet 90652, MedGen C1844696, MONDO:0010571, OMIM 304120.
Melnick-Needles syndrome (MNS). Also called: Melnick-Needles Syndrome (FLNA-MNS); MELNICK-NEEDLES OSTEODYSPLASTY; OSTEODYSPLASTY OF MELNICK AND NEEDLES. Identifiers: Orphanet 2484, MedGen C0025237, MONDO:0010650, OMIM 309350.
Frontometaphyseal dysplasia (FMD1). Identifiers: Orphanet 1826, MedGen C0265293, MONDO:0015942.
FLNA-related disorder.

Allele frequency attached by ClinVar (database versions not stated): TOPMed 0.00002; gnomAD exomes 0.00003.
gnomAD v4.1: 5 of 1,210,877 alleles (0.00041%); highest among the groups gnomAD compares: East Asian, 0.012%; no homozygotes.

Submissions (3):

Women's Health and Genetics/Laboratory Corporation of America, LabCorp
Classification: Uncertain significance. Last evaluated: 2025-12-29. Review status: criteria provided, single submitter. Criteria: LabCorp Variant Classification Summary - May 2015. Collection method: clinical testing. Allele origin: germline.

Labcorp Genetics (formerly Invitae), Labcorp
Classification: Uncertain significance for Oto-palato-digital syndrome, type II; Heterotopia, periventricular, X-linked dominant; Frontometaphyseal dysplasia; Melnick-Needles syndrome. Last evaluated: 2025-12-11. Review status: criteria provided, single submitter. Criteria: Invitae Variant Classification Sherloc (09022015). Collection method: clinical testing. Allele origin: germline.
Comment: This sequence change falls in intron 26 of the FLNA gene. It does not directly change the encoded amino acid sequence of the FLNA protein. It affects a nucleotide within the consensus splice site. This variant is present in population databases (no rsID available, gnomAD 0.04%). This variant has not been reported in the literature in individuals affected with FLNA-related conditions. ClinVar contains an entry for this variant (Variation ID: 959041). Variants that disrupt the consensus splice site are a relatively common cause of aberrant splicing (PMID: 17576681, 9536098). Algorithms developed to predict the effect of sequence changes on RNA splicing suggest that this variant is not likely to affect RNA splicing. In summary, the available evidence is currently insufficient to determine the role of this variant in disease. Therefore, it has been classified as a Variant of Uncertain Significance.

PreventionGenetics, part of Exact Sciences
Classification: Likely benign for FLNA-related condition. Last evaluated: 2021-11-09. Review status: no assertion criteria provided. Collection method: clinical testing. Allele origin: germline. Not counted in ClinVar's aggregate classification.
Comment: This variant is classified as likely benign based on ACMG/AMP sequence variant interpretation guidelines (Richards et al. 2015 PMID: 25741868, with internal and published modifications).

Literature cited by the submitters: PubMed 17576681 (cited by Labcorp Genetics (formerly Invitae), Labcorp); PubMed 9536098 (cited by Labcorp Genetics (formerly Invitae), Labcorp).

NM_001110556.2(FLNA):c.4474+3G>A

Gene: FLNA (filamin A; minus strand). Cytogenetic location: Xq28.
Variant type: single nucleotide variant.
Coding change: c.4474+3G>A on transcript NM_001110556.2 (MANE Select); 3 bases into the intron after coding-DNA position 4474, G replaced by A.
Molecular consequence: intron variant.
Genome position (GRCh38, 1-based): chrX:154,358,981, C>T on the plus strand (G>A on the coding strand, the complement: FLNA is on the minus strand). VCF-style: chrX-154358981-C-T. GRCh37 (hg19) VCF-style: chrX-153587349-C-T.
Other names: c.4474+3G>A (NM_001456.4, NM_001110556.1).
Identifiers: ClinVar variation 959041 (VCV000959041.11), dbSNP rs1286863443, ClinGen allele CA645290545.